The following is an entry in ClinVar:

ClinVar aggregate classification (germline): Uncertain significance (1 of 4 stars; one submission).

Conditions:
Bloom syndrome (BLM). Also called: Bloom-Torre-Machacek syndrome. Identifiers: Orphanet 125, MedGen C0005859, MONDO:0008876, OMIM 210900.

Submission:

Labcorp Genetics (formerly Invitae), Labcorp
Classification: Uncertain significance for Bloom syndrome. Last evaluated: 2022-11-23. Review status: criteria provided, single submitter. Criteria: Invitae Variant Classification Sherloc (09022015). Collection method: clinical testing. Allele origin: germline.
Comment: This sequence change replaces histidine, which is basic and polar, with aspartic acid, which is acidic and polar, at codon 1019 of the BLM protein (p.His1019Asp). This variant is not present in population databases (gnomAD no frequency). This variant has not been reported in the literature in individuals affected with BLM-related conditions. Advanced modeling of protein sequence and biophysical properties (such as structural, functional, and spatial information, amino acid conservation, physicochemical variation, residue mobility, and thermodynamic stability) has been performed at Invitae for this missense variant, however the output from this modeling did not meet the statistical confidence thresholds required to predict the impact of this variant on BLM protein function. In summary, the available evidence is currently insufficient to determine the role of this variant in disease. Therefore, it has been classified as a Variant of Uncertain Significance.

NM_000057.4(BLM):c.3055C>G (p.His1019Asp)

Gene: BLM (BLM RecQ like helicase; plus strand). Cytogenetic location: 15q26.1.
Variant type: single nucleotide variant.
Coding change: c.3055C>G on transcript NM_000057.4 (MANE Select); coding-DNA position 3055, C replaced by G.
Protein change: p.His1019Asp; replaces histidine 1019 with aspartic acid.
Molecular consequence: missense variant.
Genome position (GRCh38, 1-based): chr15:90,794,202, C>G. VCF-style: chr15-90794202-C-G. GRCh37 (hg19) VCF-style: chr15-91337432-C-G.
Other names: c.3055C>G, p.His1019Asp (NM_001287246.2, NM_001287247.2); c.1930C>G, p.His644Asp (NM_001287248.2); short protein forms H1019D, H644D.
Identifiers: ClinVar variation 2816153 (VCV002816153.3), dbSNP rs896370076, ClinGen allele CA393846726.